The following is an entry in ClinVar:

NM_017849.4(TMEM127):c.26T>C (p.Leu9Pro)

Genes: TMEM127 (transmembrane protein 127; minus strand), LOC129934333 (ATAC-STARR-seq lymphoblastoid silent region 11759; plus strand). Cytogenetic location: 2q11.2.
Variant type: single nucleotide variant.
Coding change: c.26T>C on transcript NM_017849.4 (MANE Select); coding-DNA position 26, T replaced by C.
Protein change: p.Leu9Pro; replaces leucine 9 with proline.
Molecular consequence: missense variant. On other transcripts: intron variant (1).
Genome position (GRCh38, 1-based): chr2:96,265,356, A>G on the plus strand (T>C on the coding strand, the complement: TMEM127 is on the minus strand). VCF-style: chr2-96265356-A-G. GRCh37 (hg19) VCF-style: chr2-96931094-A-G.
Other names: c.26T>C, p.Leu9Pro (NM_001193304.3); c.-9+513T>C (NM_001407283.1); short protein forms L9P.
Identifiers: ClinVar variation 3807733 (VCV003807733.2).
Genomic context (GRCh38, chr2:96,265,356, plus strand): 5'-CGCTCCGGCTGCTTGGGCAGAGCGCTGCCTCCCGGGCTCCTCCGCCGGCGCCCGCCGGGC[A>G]GCCCTGCGCCTCCGGGGGCGTACATGCCCGGGGCCGCCCGCCGTCGCTCCGCAGTCGCTG-3'
Protein context (NP_060319.1, residues 1-19): MYAPGGAG[Leu9Pro]PGGRRRRSPG

ClinVar aggregate classification (germline): Uncertain significance. Review status: criteria provided, multiple submitters, no conflicts (2 of 4 stars). 2 submissions from 2 submitters: Uncertain significance (2). Last evaluated 2025-09-27.

Conditions:
Hereditary pheochromocytoma and paraganglioma. Also called: Hereditary Paraganglioma-Pheochromocytoma Syndromes; Hereditary paragangliomas and pheochromocytomas; Hereditary pheochromocytoma-paraganglioma. Identifiers: Orphanet 29072, MedGen C4274332, MONDO:0017366.
Hereditary cancer-predisposing syndrome. Also called: Neoplastic Syndromes, Hereditary; Tumor predisposition; Hereditary neoplastic syndrome; Hereditary Cancer Syndrome. Identifiers: Orphanet 140162, MedGen C0027672, MeSH D009386, MONDO:0015356.

gnomAD v4.1: 1 of 1,483,844 alleles (0.000067%); highest among the groups gnomAD compares: Non-Finnish European, 0.000089%; no homozygotes.

Submissions (2):

Labcorp Genetics (formerly Invitae), Labcorp
Classification: Uncertain significance for Hereditary pheochromocytoma and paraganglioma. Last evaluated: 2025-09-27. Review status: criteria provided, single submitter. Criteria: Invitae Variant Classification Sherloc (09022015). Collection method: clinical testing. Allele origin: germline.
Comment: This sequence change replaces leucine, which is neutral and non-polar, with proline, which is neutral and non-polar, at codon 9 of the TMEM127 protein (p.Leu9Pro). This variant is not present in population databases (gnomAD no frequency). This variant has not been reported in the literature in individuals affected with TMEM127-related conditions. ClinVar contains an entry for this variant (Variation ID: 3807733). Experimental studies and prediction algorithms are not available or were not evaluated, and the functional significance of this variant is currently unknown. In summary, the available evidence is currently insufficient to determine the role of this variant in disease. Therefore, it has been classified as a Variant of Uncertain Significance.

Ambry Genetics
Classification: Uncertain significance for Hereditary cancer-predisposing syndrome. Last evaluated: 2025-02-21. Review status: criteria provided, single submitter. Criteria: Ambry Variant Classification Scheme 2023. Collection method: clinical testing. Allele origin: germline.
Comment: The p.L9P variant (also known as c.26T>C), located in coding exon 1 of the TMEM127 gene, results from a T to C substitution at nucleotide position 26. The leucine at codon 9 is replaced by proline, an amino acid with similar properties. This amino acid position is conserved. In addition, the in silico prediction for this alteration is inconclusive. Based on the available evidence, the clinical significance of this variant remains unclear.